The following is an entry in ClinVar:

ClinVar aggregate classification (germline): Uncertain significance (1 of 4 stars; one submission).

Submission:

Labcorp Genetics (formerly Invitae), Labcorp
Classification: Uncertain significance. Last evaluated: 2021-01-28. Review status: criteria provided, single submitter. Criteria: Invitae Variant Classification Sherloc (09022015). Collection method: clinical testing. Allele origin: germline.
Comment: In summary, the available evidence is currently insufficient to determine the role of this variant in disease. Therefore, it has been classified as a Variant of Uncertain Significance. This sequence change replaces glutamine with histidine at codon 729 of the LRRC8A protein (p.Gln729His). The glutamine residue is highly conserved and there is a small physicochemical difference between glutamine and histidine. This variant is not present in population databases (ExAC no frequency). This variant has not been reported in the literature in individuals with LRRC8A-related conditions. Algorithms developed to predict the effect of missense changes on protein structure and function are either unavailable or do not agree on the potential impact of this missense change (SIFT: "Deleterious"; PolyPhen-2: "Possibly Damaging"; Align-GVGD: "Class C0").

NM_019594.4(LRRC8A):c.2187G>C (p.Gln729His)

Gene: LRRC8A (leucine rich repeat containing 8 VRAC subunit A; plus strand). Cytogenetic location: 9q34.11.
Variant type: single nucleotide variant.
Coding change: c.2187G>C on transcript NM_019594.4 (MANE Select); coding-DNA position 2187, G replaced by C.
Protein change: p.Gln729His; replaces glutamine 729 with histidine.
Molecular consequence: missense variant.
Genome position (GRCh38, 1-based): chr9:128,916,125, G>C. VCF-style: chr9-128916125-G-C. GRCh37 (hg19) VCF-style: chr9-131678404-G-C.
Other names: c.2187G>C, p.Gln729His (NM_001127244.2, NM_001127245.2); short protein forms Q729H.
Identifiers: ClinVar variation 1505211 (VCV001505211.8), dbSNP rs1462735320, ClinGen allele CA375091522.